The following is an entry in ClinVar:

NM_000059.4(BRCA2):c.8053A>T (p.Thr2685Ser)

Gene: BRCA2 (BRCA2 DNA repair associated; plus strand). Cytogenetic location: 13q13.1.
Variant type: single nucleotide variant.
Coding change: c.8053A>T on transcript NM_000059.4 (MANE Select); coding-DNA position 8053, A replaced by T.
Protein change: p.Thr2685Ser; replaces threonine 2685 with serine.
Molecular consequence: missense variant. On other transcripts: non-coding transcript variant (1).
Genome position (GRCh38, 1-based): chr13:32,363,255, A>T. VCF-style: chr13-32363255-A-T. GRCh37 (hg19) VCF-style: chr13-32937392-A-T.
Other names: c.7957A>T, p.Thr2653Ser (NM_001406719.1); c.8053A>T, p.Thr2685Ser (NM_001406720.1); c.3121A>T, p.Thr1041Ser (NM_001406721.1); c.1636A>T, p.Thr546Ser (NM_001406722.1); short protein forms T2685S, T546S, T1041S, T2653S.
Identifiers: ClinVar variation 2788099 (VCV002788099.5), dbSNP rs761030046, ClinGen allele CA6941184.

ClinVar aggregate classification (germline): Conflicting classifications of pathogenicity. Review status: criteria provided, conflicting classifications (1 of 4 stars). 2 submissions from 2 submitters: Uncertain significance (1); Likely benign (1). Last evaluated 2025-05-19.

Conditions:
Hereditary cancer-predisposing syndrome. Also called: Hereditary neoplastic syndrome; Neoplastic Syndromes, Hereditary; Tumor predisposition; Hereditary Cancer Syndrome. Identifiers: Orphanet 140162, MedGen C0027672, MeSH D009386, MONDO:0015356.
Hereditary breast ovarian cancer syndrome. Also called: Hereditary breast and ovarian cancer syndrome; Hereditary breast and ovarian cancer syndrome (HBOC); Hereditary breast and/or ovarian cancer syndrome; Breast and ovarian cancer; Hereditary breast and ovarian cancer; BRCA1- and BRCA2-Associated Hereditary Breast and Ovarian Cancer. Identifiers: Orphanet 145, MedGen C0677776, MeSH D061325, MONDO:0003582. Disease mechanism: loss of function.

Allele frequency attached by ClinVar (database versions not stated): gnomAD exomes below 0.00001; ExAC 0.00001.
gnomAD v4.1: 2 of 1,614,054 alleles (0.00012%); highest among the groups gnomAD compares: South Asian, 0.0022%; no homozygotes.

Submissions (2):

Ambry Genetics
Classification: Likely benign for Hereditary cancer-predisposing syndrome. Last evaluated: 2025-05-19. Review status: criteria provided, single submitter. Criteria: Ambry Variant Classification Scheme 2023. Collection method: clinical testing. Allele origin: germline.

Labcorp Genetics (formerly Invitae), Labcorp
Classification: Uncertain significance for Hereditary breast ovarian cancer syndrome. Last evaluated: 2023-06-07. Review status: criteria provided, single submitter. Criteria: Invitae Variant Classification Sherloc (09022015). Collection method: clinical testing. Allele origin: germline.
Comment: In summary, the available evidence is currently insufficient to determine the role of this variant in disease. Therefore, it has been classified as a Variant of Uncertain Significance. Advanced modeling of protein sequence and biophysical properties (such as structural, functional, and spatial information, amino acid conservation, physicochemical variation, residue mobility, and thermodynamic stability) performed at Invitae indicates that this missense variant is not expected to disrupt BRCA2 protein function. This variant is present in population databases (rs761030046, gnomAD 0.003%). This sequence change replaces threonine, which is neutral and polar, with serine, which is neutral and polar, at codon 2685 of the BRCA2 protein (p.Thr2685Ser). This variant has not been reported in the literature in individuals affected with BRCA2-related conditions.